The following is an entry in ClinVar:

NM_002439.5(MSH3):c.2725G>A (p.Val909Ile)

Gene: MSH3 (mutS homolog 3; plus strand). Cytogenetic location: 5q14.1.
Variant type: single nucleotide variant.
Coding change: c.2725G>A on transcript NM_002439.5 (MANE Select); coding-DNA position 2725, G replaced by A.
Protein change: p.Val909Ile; replaces valine 909 with isoleucine.
Molecular consequence: missense variant.
Genome position (GRCh38, 1-based): chr5:80,813,653, G>A. VCF-style: chr5-80813653-G-A. GRCh37 (hg19) VCF-style: chr5-80109472-G-A.
Other names: c.2725G>A (NM_002439.3); short protein forms V909I.
Identifiers: ClinVar variation 933341 (VCV000933341.10), dbSNP rs1272631581, ClinGen allele CA360273952.

ClinVar aggregate classification (germline): Uncertain significance. Review status: criteria provided, multiple submitters, no conflicts (2 of 4 stars). 2 submissions from 2 submitters: Uncertain significance (2). Last evaluated 2025-04-14.

Conditions:
Hereditary cancer-predisposing syndrome. Also called: Neoplastic Syndromes, Hereditary; Hereditary Cancer Syndrome; Hereditary neoplastic syndrome; Tumor predisposition. Identifiers: Orphanet 140162, MedGen C0027672, MeSH D009386, MONDO:0015356.

Allele frequency attached by ClinVar (database versions not stated): gnomAD exomes below 0.00001; gnomAD 0.00001.
gnomAD v4.1: 1 of 1,614,002 alleles (0.000062%); highest among the groups gnomAD compares: African/African-American, 0.0013%; no homozygotes.

Submissions (2):

Labcorp Genetics (formerly Invitae), Labcorp
Classification: Uncertain significance. Last evaluated: 2025-04-14. Review status: criteria provided, single submitter. Criteria: Invitae Variant Classification Sherloc (09022015). Collection method: clinical testing. Allele origin: germline.
Comment: This sequence change replaces valine, which is neutral and non-polar, with isoleucine, which is neutral and non-polar, at codon 909 of the MSH3 protein (p.Val909Ile). This variant is present in population databases (no rsID available, gnomAD 0.007%). This variant has not been reported in the literature in individuals affected with MSH3-related conditions. ClinVar contains an entry for this variant (Variation ID: 933341). An algorithm developed to predict the effect of missense changes on protein structure and function (PolyPhen-2) suggests that this variant is likely to be disruptive. In summary, the available evidence is currently insufficient to determine the role of this variant in disease. Therefore, it has been classified as a Variant of Uncertain Significance.

Ambry Genetics
Classification: Uncertain significance for Hereditary cancer-predisposing syndrome. Last evaluated: 2024-09-26. Review status: criteria provided, single submitter. Criteria: Ambry Variant Classification Scheme 2023. Collection method: clinical testing. Allele origin: germline.
Comment: The p.V909I variant (also known as c.2725G>A), located in coding exon 20 of the MSH3 gene, results from a G to A substitution at nucleotide position 2725. The valine at codon 909 is replaced by isoleucine, an amino acid with highly similar properties. This amino acid position is conserved. In addition, the in silico prediction for this alteration is inconclusive. Based on the available evidence, the clinical significance of this variant remains unclear.